The following is an entry in ClinVar:

ClinVar aggregate classification (germline): Likely pathogenic (1 of 4 stars; one submission).

Conditions:
Hereditary breast ovarian cancer syndrome. Also called: Hereditary breast and ovarian cancer; Hereditary breast and ovarian cancer syndrome; Hereditary breast and ovarian cancer syndrome (HBOC); Hereditary breast and/or ovarian cancer syndrome; Breast and ovarian cancer; BRCA1- and BRCA2-Associated Hereditary Breast and Ovarian Cancer. Identifiers: Orphanet 145, MedGen C0677776, MeSH D061325, MONDO:0003582. Disease mechanism: loss of function.

Submission:

Clinical Genomics Laboratory, Washington University in St. Louis
Classification: Likely pathogenic for Hereditary breast ovarian cancer syndrome. Last evaluated: 2023-09-12. Review status: criteria provided, single submitter. Criteria: ACMG Guidelines, 2015. Collection method: clinical testing. Allele origin: germline.
Comment: The PALB2 c.922_923delinsATAG (p.Ala308IlefsTer3) variant, to our knowledge, has not been reported in the medical literature. This variant is absent from the general population (gnomAD v.2.1.1), indicating it is not a common variant. This variant causes a frameshift by deleting a single nucleotide and inserting four nucleotides, leading to a premature termination codon, which is predicted to lead to nonsense mediated decay. Additionally, other variants that introduce a premature termination codon occur downstream of this variant and are considered pathogenic (Antoniou A et al., PMID: 25099575; Couch F et al., PMID: 25452441; Susswein L et al., PMID: 26681312). Based on available information and the ACMG/AMP guidelines for variant interpretation (Richards S et al., PMID: 25741868), this variant is classified as likely pathogenic.

NM_024675.4(PALB2):c.922_923delinsATAG (p.Ala308fs)

Gene: PALB2 (partner and localizer of BRCA2; minus strand). Cytogenetic location: 16p12.2.
Variant type: Indel.
Coding change: c.922_923delinsATAG on transcript NM_024675.4 (MANE Select); coding-DNA positions 922 to 923, GC replaced by ATAG.
Protein change: p.Ala308fs; shifts the reading frame from alanine 308.
Molecular consequence: frameshift variant. On other transcripts: intron variant (3).
Genome position (GRCh38, 1-based): chr16:23,635,623-23,635,624, GC replaced by CTAT on the plus strand (GC replaced by ATAG on the coding strand, the reverse complement: PALB2 is on the minus strand). VCF-style: chr16-23635623-GC-CTAT. GRCh37 (hg19) VCF-style: chr16-23646944-GC-CTAT.
Other names: c.862_863delinsATAG, p.Ala288fs (NM_001407296.1); c.922_923delinsATAG, p.Ala308fs (NM_001407297.1, NM_001407298.1, NM_001407299.1 and 3 more transcripts); c.37_38delinsATAG, p.Ala13fs (NM_001407304.1, NM_001407305.1, NM_001407306.1 and 5 more transcripts); c.48+5486_48+5487delinsATAG (NM_001407314.1); c.-104-5155_-104-5154delinsATAG (NM_001407313.1, NM_001407312.1); short protein forms A13fs, A288fs, A308fs.
Identifiers: ClinVar variation 2672132 (VCV002672132.1), dbSNP rs2506495427, ClinGen allele CA2695197527.